The following is an entry in ClinVar:

NM_032043.3(BRIP1):c.2235A>C (p.Ala745=)

Gene: BRIP1 (BRCA1 interacting DNA helicase 1; minus strand). Cytogenetic location: 17q23.2.
Variant type: single nucleotide variant.
Coding change: c.2235A>C on transcript NM_032043.3 (MANE Select); coding-DNA position 2235, A replaced by C.
Protein change: p.Ala745=; no amino-acid change (alanine 745 retained).
Molecular consequence: synonymous variant.
Genome position (GRCh38, 1-based): chr17:61,744,454, T>G on the plus strand (A>C on the coding strand, the complement: BRIP1 is on the minus strand). VCF-style: chr17-61744454-T-G. GRCh37 (hg19) VCF-style: chr17-59821815-T-G.
Identifiers: ClinVar variation 3378867 (VCV003378867.1).

ClinVar aggregate classification (germline): Benign (1 of 4 stars; one submission).

Conditions:
Familial cancer of breast. Also called: hereditary breast carcinoma; Hereditary breast cancer; BREAST CANCER, FAMILIAL. Identifiers: Orphanet 227535, MedGen C0346153, MONDO:0016419, OMIM 114480. Disease mechanism: loss of function.

Submission:

Myriad Genetics, Inc.
Classification: Benign for Familial cancer of breast. Last evaluated: 2024-09-03. Review status: criteria provided, single submitter. Criteria: Myriad Autosomal Dominant, Autosomal Recessive and X-Linked Classification Criteria (2023). Collection method: clinical testing. Allele origin: unknown.
Comment: This variant is considered benign. This variant is a silent/synonymous amino acid change and it is not expected to impact splicing.